The following is an entry in ClinVar:

ClinVar aggregate classification (germline): Likely benign. Review status: criteria provided, multiple submitters, no conflicts (2 of 4 stars). 3 submissions from 3 submitters: Likely benign (2). 1 of the submissions does not count toward it. Last evaluated 2026-01-26.

Conditions:
Peroxisome biogenesis disorder 3A (Zellweger). Also called: PEROXISOMAL BIOGENESIS DISORDER 3A (ZELLWEGER); Peroxisome biogenesis disorder 3A. Identifiers: Orphanet 912, MedGen C3553929, MONDO:0013927, OMIM 614859.
PEX12-related disorder. Also called: PEX12-related condition; PEX12-related disorders.

Allele frequency attached by ClinVar (database versions not stated): ExAC 0.00001; gnomAD exomes 0.00001 and 0.00004; TOPMed 0.00002; gnomAD 0.00003; ESP Exome Variant Server 0.00008.

Submissions (3):

Labcorp Genetics (formerly Invitae), Labcorp
Classification: Likely benign for Peroxisome biogenesis disorder 3A (Zellweger). Last evaluated: 2026-01-26. Review status: criteria provided, single submitter. Criteria: Invitae Variant Classification Sherloc (09022015). Collection method: clinical testing. Allele origin: germline.

Blueprint Genetics
Classification: Likely benign. Last evaluated: 2023-04-14. Review status: criteria provided, single submitter. Criteria: ACMG Guidelines, 2015. Collection method: clinical testing. Allele origin: germline.

PreventionGenetics, part of Exact Sciences
Classification: Likely benign for PEX12-related condition. Last evaluated: 2023-06-13. Review status: no assertion criteria provided. Collection method: clinical testing. Allele origin: germline. Not counted in ClinVar's aggregate classification.
Comment: This variant is classified as likely benign based on ACMG/AMP sequence variant interpretation guidelines (Richards et al. 2015 PMID: 25741868, with internal and published modifications).

NM_000286.3(PEX12):c.447T>C (p.Ser149=)

Gene: PEX12 (peroxisomal biogenesis factor 12; minus strand). Cytogenetic location: 17q12.
Variant type: single nucleotide variant.
Coding change: c.447T>C on transcript NM_000286.3 (MANE Select); coding-DNA position 447, T replaced by C.
Protein change: p.Ser149=; no amino-acid change (serine 149 retained).
Molecular consequence: synonymous variant.
Genome position (GRCh38, 1-based): chr17:35,577,271, A>G on the plus strand (T>C on the coding strand, the complement: PEX12 is on the minus strand). VCF-style: chr17-35577271-A-G. GRCh37 (hg19) VCF-style: chr17-33904290-A-G.
Identifiers: ClinVar variation 750132 (VCV000750132.12), dbSNP rs375119247, ClinGen allele CA8504907.